The following is an entry in ClinVar:

ClinVar aggregate classification (germline): Uncertain significance. Review status: criteria provided, multiple submitters, no conflicts (2 of 4 stars). 3 submissions from 3 submitters: Uncertain significance (3). Last evaluated 2026-02-16.

Conditions:
Nephrotic syndrome. Identifiers: MedGen C0027726, MONDO:0005377, HP:0000100.

Allele frequency attached by ClinVar (database versions not stated): ExAC 0.00016; gnomAD exomes 0.00019; gnomAD 0.00024 and 0.00028; TOPMed 0.00037; ESP Exome Variant Server 0.00062.

Submissions (3):

Ambry Genetics
Classification: Uncertain significance. Last evaluated: 2026-02-16. Review status: criteria provided, single submitter. Criteria: Ambry Variant Classification Scheme 2023. Collection method: clinical testing. Allele origin: germline.

Labcorp Genetics (formerly Invitae), Labcorp
Classification: Uncertain significance. Last evaluated: 2025-12-22. Review status: criteria provided, single submitter. Criteria: Invitae Variant Classification Sherloc (09022015). Collection method: clinical testing. Allele origin: germline.
Comment: This sequence change replaces arginine, which is basic and polar, with glutamine, which is neutral and polar, at codon 485 of the TNS2 protein (p.Arg485Gln). This variant is present in population databases (rs150698661, gnomAD 0.08%), and has an allele count higher than expected for a pathogenic variant. This variant has not been reported in the literature in individuals affected with TNS2-related conditions. ClinVar contains an entry for this variant (Variation ID: 1699313). An algorithm developed to predict the effect of missense changes on protein structure and function outputs the following: PolyPhen-2: "Benign". The glutamine amino acid residue is found in multiple mammalian species, which suggests that this missense change does not adversely affect protein function. In summary, the available evidence is currently insufficient to determine the role of this variant in disease. Therefore, it has been classified as a Variant of Uncertain Significance.

Victorian Clinical Genetics Services, Murdoch Childrens Research Institute
Classification: Uncertain significance for Nephrotic syndrome. Last evaluated: 2021-05-06. Review status: criteria provided, single submitter. Criteria: ACMG Guidelines, 2015. Collection method: clinical testing. Allele origin: germline. Inheritance: Autosomal recessive inheritance.
Comment: Based on the classification scheme VCGS_Germline_v1.3.4, this variant is classified as VUS-3C. Following criteria are met: 0102 - Loss of function is a reported mechanism of disease in this gene and is associated with nephrotic syndrome (PMID: 29773874). (I) 0106 - This gene is associated with autosomal recessive disease. (I) 0200 - Variant is predicted to result in a missense amino acid change from arginine to glutamine. (I) 0251 - This variant is heterozygous. (I) 0304 - Variant is present in gnomAD <0.01 for a recessive condition (v2: 47 heterozygotes, 0 homozygotes). (SP) 0309 - An alternative amino acid change at the same position has been observed in gnomAD (v2) (1 heterozygote, 0 homozygotes). (I) 0504 - Same amino acid change has been observed in placental mammals. (SB) 0604 - Variant is not located in an established domain, motif, hotspot or informative constraint region. (I) 0705 - No comparable missense variants have previous evidence for pathogenicity. (I) 0807 - This variant has no previous evidence of pathogenicity. (I) 0905 - No published segregation evidence has been identified for this variant. (I) 1007 - No published functional evidence has been identified for this variant. (I) 1208 - Inheritance information for this variant is not currently available in this individual. (I) Legend: (SP) - Supporting pathogenic, (I) - Information, (SB) - Supporting benign

Literature cited by the submitters: PubMed 29773874 (cited by Victorian Clinical Genetics Services, Murdoch Childrens Research Institute).

NM_170754.4(TNS2):c.1424G>A (p.Arg475Gln)

Gene: TNS2 (tensin 2; plus strand). Cytogenetic location: 12q13.13.
Variant type: single nucleotide variant.
Coding change: c.1424G>A on transcript NM_170754.4 (MANE Select); coding-DNA position 1424, G replaced by A.
Protein change: p.Arg475Gln; replaces arginine 475 with glutamine.
Molecular consequence: missense variant.
Genome position (GRCh38, 1-based): chr12:53,059,065, G>A. VCF-style: chr12-53059065-G-A. GRCh37 (hg19) VCF-style: chr12-53452849-G-A.
Other names: c.1424G>A, p.Arg475Gln (NM_001416202.1); c.1382G>A, p.Arg461Gln (NM_001416203.1); c.1451G>A, p.Arg484Gln (NM_001416204.1); c.1355G>A, p.Arg452Gln (NM_015319.3); c.1052G>A, p.Arg351Gln (NM_198316.2); short protein forms R351Q, R475Q, R485Q, R452Q, R461Q, R484Q.
Identifiers: ClinVar variation 1699313 (VCV001699313.10), dbSNP rs150698661, ClinGen allele CA6592364.